The following is an entry in ClinVar:

ClinVar aggregate classification (germline): Pathogenic (1 of 4 stars; one submission).

Conditions:
Bethlem myopathy 1A. Also called: Bethlem Muscular Dystrophy; MYOPATHY, BENIGN CONGENITAL, WITH CONTRACTURES; Bethlem myopathy 1. Identifiers: Orphanet 610, MedGen CN029274, MONDO:0024530, OMIM 158810.

Submission:

Labcorp Genetics (formerly Invitae), Labcorp
Classification: Pathogenic for Bethlem myopathy 1A. Last evaluated: 2025-03-12. Review status: criteria provided, single submitter. Criteria: Invitae Variant Classification Sherloc (09022015). Collection method: clinical testing. Allele origin: germline.
Comment: This sequence change affects a donor splice site in intron 14 of the COL6A1 gene. It is expected to disrupt RNA splicing. Variants that disrupt the donor or acceptor splice site typically lead to a loss of protein function (PMID: 16199547), and loss-of-function variants in COL6A1 are known to be disease-causing for autosomal recessive COL6A1-related conditions (PMID: 21280092, 20976770). However, certain variants affecting donor or acceptor splice sites in the triple helical domain of COL6A1 are expected to result in in-frame exon skipping and have been reported to cause autosomal dominant COL6A1-related conditions (PMID: 18366090). This variant is not present in population databases (gnomAD no frequency). Disruption of this splice site has been observed in individuals with autosomal dominant Bethlem myopathy (PMID: 10419498, 25749816). It has also been observed to segregate with disease in related individuals. ClinVar contains an entry for this variant (Variation ID: 946468). Algorithms developed to predict the effect of sequence changes on RNA splicing suggest that this variant may disrupt the consensus splice site. For these reasons, this variant has been classified as Pathogenic.

Literature cited by the submitters: PubMed 16199547; PubMed 21280092; PubMed 20976770; PubMed 18366090; PubMed 10419498; PubMed 25749816.

NM_001848.3(COL6A1):c.1056+1G>T

Gene: COL6A1 (collagen type VI alpha 1 chain; plus strand). Cytogenetic location: 21q22.3.
Variant type: single nucleotide variant.
Coding change: c.1056+1G>T on transcript NM_001848.3 (MANE Select); the canonical splice donor site of the intron after coding-DNA position 1056, G replaced by T.
Molecular consequence: splice donor variant.
Genome position (GRCh38, 1-based): chr21:45,990,827, G>T. VCF-style: chr21-45990827-G-T. GRCh37 (hg19) VCF-style: chr21-47410741-G-T.
Identifiers: ClinVar variation 946468 (VCV000946468.8), dbSNP rs398123631, ClinGen allele CA410523516.